The following is an entry in ClinVar:

NM_024753.5(TTC21B):c.1760A>G (p.His587Arg)

Gene: TTC21B (tetratricopeptide repeat domain 21B; minus strand). Cytogenetic location: 2q24.3.
Variant type: single nucleotide variant.
Coding change: c.1760A>G on transcript NM_024753.5 (MANE Select); coding-DNA position 1760, A replaced by G.
Protein change: p.His587Arg; replaces histidine 587 with arginine.
Molecular consequence: missense variant.
Genome position (GRCh38, 1-based): chr2:165,917,396, T>C on the plus strand (A>G on the coding strand, the complement: TTC21B is on the minus strand). VCF-style: chr2-165917396-T-C. GRCh37 (hg19) VCF-style: chr2-166773906-T-C.
Other names: short protein forms H587R.
Identifiers: ClinVar variation 1415878 (VCV001415878.9), dbSNP rs372066887, ClinGen allele CA1942022.

ClinVar aggregate classification (germline): Uncertain significance. Review status: criteria provided, multiple submitters, no conflicts (2 of 4 stars). 2 submissions from 2 submitters: Uncertain significance (2). Last evaluated 2023-12-22.

Conditions:
Jeune thoracic dystrophy. Also called: Short-rib thoracic dysplasia; Jeune syndrome; Infantile thoracic dystrophy; Thoracic pelvic phalangeal dystrophy; Jeune's syndrome; Chondroectodermal dysplasia-like syndrome. Identifiers: Orphanet 474, MedGen C0265275, MONDO:0018770.
Nephronophthisis. Also called: Juvenile Nephronophthisis. Identifiers: Orphanet 655, MedGen C0687120, MONDO:0019005, HP:0000090.
Asphyxiating thoracic dystrophy 4 (SRTD4). Also called: SHORT-RIB THORACIC DYSPLASIA 4; SHORT-RIB THORACIC DYSPLASIA 4 WITH OR WITHOUT POLYDACTYLY. Identifiers: Orphanet 474, MedGen C3151185, MONDO:0013441, OMIM 613819.
Nephronophthisis 12 (NPHP12). Identifiers: Orphanet 655, MedGen C3151186, MONDO:0013442, OMIM 613820.

Allele frequency attached by ClinVar (database versions not stated): gnomAD 0.00002; gnomAD exomes 0.00003 and 0.00006; TOPMed 0.00003; ExAC 0.00004; ESP Exome Variant Server 0.00008.
gnomAD v4.1: 90 of 1,614,062 alleles (0.0056%); highest among the groups gnomAD compares: Non-Finnish European, 0.0075%; no homozygotes.

Submissions (2):

Fulgent Genetics
Classification: Uncertain significance for Asphyxiating thoracic dystrophy 4; Nephronophthisis 12. Last evaluated: 2023-12-22. Review status: criteria provided, single submitter. Criteria: ACMG Guidelines, 2015. Collection method: clinical testing. Allele origin: germline.

Labcorp Genetics (formerly Invitae), Labcorp
Classification: Uncertain significance for Jeune thoracic dystrophy; Nephronophthisis. Last evaluated: 2022-08-23. Review status: criteria provided, single submitter. Criteria: Invitae Variant Classification Sherloc (09022015). Collection method: clinical testing. Allele origin: germline.
Comment: In summary, the available evidence is currently insufficient to determine the role of this variant in disease. Therefore, it has been classified as a Variant of Uncertain Significance. Algorithms developed to predict the effect of sequence changes on RNA splicing suggest that this variant may create or strengthen a splice site. Algorithms developed to predict the effect of missense changes on protein structure and function (SIFT, PolyPhen-2, Align-GVGD) all suggest that this variant is likely to be tolerated. ClinVar contains an entry for this variant (Variation ID: 1415878). This variant has not been reported in the literature in individuals affected with TTC21B-related conditions. This variant is present in population databases (rs372066887, gnomAD 0.007%). This sequence change replaces histidine, which is basic and polar, with arginine, which is basic and polar, at codon 587 of the TTC21B protein (p.His587Arg).